The following is an entry in ClinVar:

ClinVar aggregate classification (germline): Pathogenic (1 of 4 stars; one submission).

Conditions:
Hereditary nonpolyposis colorectal neoplasms. Identifiers: MedGen C0009405, MeSH D003123.

Submission:

Labcorp Genetics (formerly Invitae), Labcorp
Classification: Pathogenic for Hereditary nonpolyposis colorectal neoplasms. Last evaluated: 2025-01-14. Review status: criteria provided, single submitter. Criteria: Invitae Variant Classification Sherloc (09022015). Collection method: clinical testing. Allele origin: germline.
Comment: This sequence change creates a premature translational stop signal (p.Ile740*) in the PMS2 gene. It is expected to result in an absent or disrupted protein product. Loss-of-function variants in PMS2 are known to be pathogenic (PMID: 21376568, 24362816). The frequency data for this variant in the population databases (gnomAD) is considered unreliable due to the presence of homologous sequence, such as pseudogenes or paralogs, in the genome. This variant has not been reported in the literature in individuals affected with PMS2-related conditions. For these reasons, this variant has been classified as Pathogenic.

Literature cited by the submitters: PubMed 21376568; PubMed 24362816.

NM_000535.7(PMS2):c.2218del (p.Leu739_Ile740insTer)

Gene: PMS2 (PMS1 homolog 2, mismatch repair system component; minus strand). Cytogenetic location: 7p22.1.
Variant type: Deletion.
Coding change: c.2218del on transcript NM_000535.7 (MANE Select); coding-DNA position 2218, one base deleted (A; older notation c.2218delA).
Protein change: p.Leu739_Ile740insTer.
Molecular consequence: nonsense. On other transcripts: non-coding transcript variant (1), intron variant (2).
Genome position (GRCh38, 1-based): chr7:5,978,653, T deleted on the plus strand (A on the coding strand, the reverse complement: PMS2 is on the minus strand). VCF-style (leftmost placement, unchanged base first): chr7-5978652-AT-A. GRCh37 (hg19) VCF-style: chr7-6018283-AT-A.
Other names: c.2020del, p.Leu673_Ile674insTer (NM_001406873.1); c.2050del, p.Leu683_Ile684insTer (NM_001406874.1, NM_001406872.1); c.1909del, p.Leu636_Ile637insTer (NM_001406875.1, NM_001406877.1, NM_001406878.1 and 5 more transcripts); c.1900del, p.Leu633_Ile634insTer (NM_001406876.1, NM_001406883.1, NM_001322007.2 and 1 more transcripts); c.1894del, p.Leu631_Ile632insTer (NM_001406884.1); c.1882del, p.Leu627_Ile628insTer (NM_001406885.1); c.1852del, p.Leu617_Ile618insTer (NM_001406886.1); c.1813del, p.Leu604_Ile605insTer (NM_001406887.1, NM_001406888.1, NM_001406889.1 and 14 more transcripts); and 16 more.
Identifiers: ClinVar variation 3729034 (VCV003729034.2).